The following is an entry in ClinVar:

NM_001365536.1(SCN9A):c.2002A>T (p.Arg668Trp)

Genes: SCN1A-AS1 (SCN1A and SCN9A antisense RNA 1; plus strand), SCN9A (sodium voltage-gated channel alpha subunit 9; minus strand). Cytogenetic location: 2q24.3.
Variant type: single nucleotide variant.
Coding change: c.2002A>T on transcript NM_001365536.1 (MANE Select); coding-DNA position 2002, A replaced by T.
Protein change: p.Arg668Trp; replaces arginine 668 with tryptophan.
Molecular consequence: missense variant.
Genome position (GRCh38, 1-based): chr2:166,281,781, T>A on the plus strand (A>T on the coding strand, the complement: SCN9A is on the minus strand). VCF-style: chr2-166281781-T-A. GRCh37 (hg19) VCF-style: chr2-167138291-T-A.
Other names: c.1969A>T, p.Arg657Trp (NM_002977.4); short protein forms R668W, R657W.
Identifiers: ClinVar variation 2110892 (VCV002110892.4), dbSNP rs2468024856, ClinGen allele CA349081302.
Genomic context (GRCh38, chr2:166,281,781, plus strand): 5'-TCTGTCTGAGGTTGGGATCATTCAGCATATCCTCTGAAAGGAGATAGGAACTACAACGCC[T>A]TTTCTTGTGTATTTGATTGGTCGTGCCCTAAAAAAAAAATCAATTAATGTCTTAAGAACA-3'
Protein context (NP_001352465.1, residues 658-678): SGTTNQIHKK[Arg668Trp]RCSSYLLSED

ClinVar aggregate classification (germline): Uncertain significance (1 of 4 stars; one submission).

Conditions:
Neuropathy, hereditary sensory and autonomic, type 2A (HSAN2A). Also called: WNK1-Related HSAN2 (HSAN2A); HSAN IIA; ACROOSTEOLYSIS, GIACCAI TYPE; ACROOSTEOLYSIS, NEUROGENIC; MORVAN DISEASE; NEUROPATHY, CONGENITAL SENSORY. Identifiers: Orphanet 970, MedGen C2752089, MONDO:0024309, OMIM 201300.
Generalized epilepsy with febrile seizures plus, type 7 (GEFSP7). Also called: GEFS+, TYPE 7. Identifiers: Orphanet 36387, MedGen C2751778, MONDO:0013470, OMIM 613863.

Submission:

Labcorp Genetics (formerly Invitae), Labcorp
Classification: Uncertain significance for Neuropathy, hereditary sensory and autonomic, type 2A; Generalized epilepsy with febrile seizures plus, type 7. Last evaluated: 2022-03-13. Review status: criteria provided, single submitter. Criteria: Invitae Variant Classification Sherloc (09022015). Collection method: clinical testing. Allele origin: germline.
Comment: This sequence change replaces arginine, which is basic and polar, with tryptophan, which is neutral and slightly polar, at codon 657 of the SCN9A protein (p.Arg657Trp). This variant is not present in population databases (gnomAD no frequency). This variant has not been reported in the literature in individuals affected with SCN9A-related conditions. Algorithms developed to predict the effect of missense changes on protein structure and function are either unavailable or do not agree on the potential impact of this missense change (SIFT: "Deleterious"; PolyPhen-2: "Probably Damaging"; Align-GVGD: "Class C0"). In summary, the available evidence is currently insufficient to determine the role of this variant in disease. Therefore, it has been classified as a Variant of Uncertain Significance.